The following is an entry in ClinVar:

ClinVar aggregate classification (germline): Uncertain significance. Review status: criteria provided, multiple submitters, no conflicts (2 of 4 stars). 3 submissions from 3 submitters: Uncertain significance (3). Last evaluated 2025-04-22.

Conditions:
MAGEL2-related disorder. Also called: MAGEL2-related condition.

Allele frequency attached by ClinVar (database versions not stated): 1000 Genomes Project 30x 0.00031.
gnomAD v4.1: 1 of 1,613,830 alleles (0.000062%); highest among the groups gnomAD compares: East Asian, 0.0022%; no homozygotes.

Submissions (3):

PreventionGenetics, part of Exact Sciences
Classification: Uncertain significance for MAGEL2-related condition. Last evaluated: 2025-04-22. Review status: criteria provided, single submitter. Criteria: ACMG Guidelines, 2015. Collection method: clinical testing. Allele origin: germline.
Comment: The MAGEL2 c.2639G>T variant is predicted to result in the amino acid substitution p.Arg880Leu. To our knowledge, this variant has not been reported in the literature. This variant is reported in 0.0056% of alleles in individuals of East Asian descent in gnomAD. At this time, the clinical significance of this variant is uncertain due to the absence of conclusive functional and genetic evidence.

Labcorp Genetics (formerly Invitae), Labcorp
Classification: Uncertain significance. Last evaluated: 2024-02-07. Review status: criteria provided, single submitter. Criteria: Invitae Variant Classification Sherloc (09022015). Collection method: clinical testing. Allele origin: germline.
Comment: This sequence change replaces arginine, which is basic and polar, with leucine, which is neutral and non-polar, at codon 880 of the MAGEL2 protein (p.Arg880Leu). This variant is present in population databases (rs775947264, gnomAD 0.006%). This variant has not been reported in the literature in individuals affected with MAGEL2-related conditions. ClinVar contains an entry for this variant (Variation ID: 1933895). Advanced modeling of protein sequence and biophysical properties (such as structural, functional, and spatial information, amino acid conservation, physicochemical variation, residue mobility, and thermodynamic stability) has been performed at Invitae for this missense variant, however the output from this modeling did not meet the statistical confidence thresholds required to predict the impact of this variant on MAGEL2 protein function. In summary, the available evidence is currently insufficient to determine the role of this variant in disease. Therefore, it has been classified as a Variant of Uncertain Significance.

GeneDx
Classification: Uncertain significance. Last evaluated: 2022-12-07. Review status: criteria provided, single submitter. Criteria: GeneDx Variant Classification Process June 2021. Collection method: clinical testing. Allele origin: germline. Affected: yes.
Comment: Not observed at significant frequency in large population cohorts (gnomAD); In silico analysis supports that this missense variant does not alter protein structure/function; Has not been previously published as pathogenic or benign to our knowledge

NM_019066.5(MAGEL2):c.2639G>T (p.Arg880Leu)

Gene: MAGEL2 (MAGE family member L2; minus strand). Cytogenetic location: 15q11.2.
Variant type: single nucleotide variant.
Coding change: c.2639G>T on transcript NM_019066.5 (MANE Select); coding-DNA position 2639, G replaced by T.
Protein change: p.Arg880Leu; replaces arginine 880 with leucine.
Molecular consequence: missense variant.
Genome position (GRCh38, 1-based): chr15:23,645,104, C>A on the plus strand (G>T on the coding strand, the complement: MAGEL2 is on the minus strand). VCF-style: chr15-23645104-C-A. GRCh37 (hg19) VCF-style: chr15-23890251-C-A.
Other names: c.2639G>T (NM_019066.4); short protein forms R880L.
Identifiers: ClinVar variation 1933895 (VCV001933895.9), dbSNP rs775947264, ClinGen allele CA7429854.